The following is an entry in ClinVar:

NM_006393.3(NEBL):c.2237G>C (p.Ser746Thr)

Gene: NEBL (nebulette; minus strand). Cytogenetic location: 10p12.31.
Variant type: single nucleotide variant.
Coding change: c.2237G>C on transcript NM_006393.3 (MANE Select); coding-DNA position 2237, G replaced by C.
Protein change: p.Ser746Thr; replaces serine 746 with threonine.
Molecular consequence: missense variant. On other transcripts: intron variant (9).
Genome position (GRCh38, 1-based): chr10:20,815,629, C>G on the plus strand (G>C on the coding strand, the complement: NEBL is on the minus strand). VCF-style: chr10-20815629-C-G. GRCh37 (hg19) VCF-style: chr10-21104558-C-G.
Other names: c.250-2689G>C (NM_001377326.1, NM_001377327.1, NM_001377328.1); c.358-2689G>C (NM_213569.2, NM_001173484.2, NM_001377322.1); c.301-2689G>C (NM_001377324.1); c.292-2689G>C (NM_001377325.1); c.310-2689G>C (NM_001377323.1); short protein forms S746T.
Identifiers: ClinVar variation 2711985 (VCV002711985.3), dbSNP rs2491627907, ClinGen allele CA376093814.

ClinVar aggregate classification (germline): Uncertain significance (1 of 4 stars; one submission).

Conditions:
Primary dilated cardiomyopathy (DCM). Also called: Dilated Cardiomyopathy. Identifiers: Orphanet 217604, MedGen C0007193, MeSH D002311, MONDO:0005021, HP:0001644. Inheritance: Various modes of inheritance.

Submission:

Labcorp Genetics (formerly Invitae), Labcorp
Classification: Uncertain significance for Primary dilated cardiomyopathy. Last evaluated: 2024-01-26. Review status: criteria provided, single submitter. Criteria: Invitae Variant Classification Sherloc (09022015). Collection method: clinical testing. Allele origin: germline.
Comment: This sequence change replaces serine, which is neutral and polar, with threonine, which is neutral and polar, at codon 746 of the NEBL protein (p.Ser746Thr). This variant is not present in population databases (gnomAD no frequency). This variant has not been reported in the literature in individuals affected with NEBL-related conditions. An algorithm developed to predict the effect of missense changes on protein structure and function (PolyPhen-2) suggests that this variant is likely to be disruptive. In summary, the available evidence is currently insufficient to determine the role of this variant in disease. Therefore, it has been classified as a Variant of Uncertain Significance.